The following is an entry in ClinVar:

NM_012309.5(SHANK2):c.844G>A (p.Glu282Lys)

Gene: SHANK2 (SH3 and multiple ankyrin repeat domains 2; minus strand). Cytogenetic location: 11q13.4.
Variant type: single nucleotide variant.
Coding change: c.844G>A on transcript NM_012309.5 (MANE Select); coding-DNA position 844, G replaced by A.
Protein change: p.Glu282Lys; replaces glutamic acid 282 with lysine.
Molecular consequence: missense variant.
Genome position (GRCh38, 1-based): chr11:71,092,490, C>T on the plus strand (G>A on the coding strand, the complement: SHANK2 is on the minus strand). VCF-style: chr11-71092490-C-T. GRCh37 (hg19) VCF-style: chr11-70803536-C-T.
Other names: short protein forms E282K.
Identifiers: ClinVar variation 1213811 (VCV001213811.1), dbSNP rs548275131, ClinGen allele CA224330576.

ClinVar aggregate classification (germline): Uncertain significance (1 of 4 stars; one submission).

Conditions:
Autism, susceptibility to, 17. Also called: Autism susceptibility 17. Identifiers: MedGen C3150693, MONDO:0013265, OMIM 613436.

Allele frequency attached by ClinVar (database versions not stated): gnomAD exomes 0.00001; TOPMed 0.00003; 1000 Genomes Project 0.00020; gnomAD 0.00001; 1000 Genomes Project 30x 0.00016.
gnomAD v4.1: 11 of 1,551,524 alleles (0.00071%); highest among the groups gnomAD compares: Middle Eastern, 0.017%; no homozygotes.

Submission:

New York Genome Center
Classification: Uncertain significance for Autism, susceptibility to, 17. Last evaluated: 2020-09-23. Review status: criteria provided, single submitter. Criteria: NYGC Assertion Criteria 2020. Collection method: clinical testing. Allele origin: inherited. Observed: 1 heterozygote. Study: CSER-NYCKidSeq.
Comment: The inherited c.844G>A (p.Glu282Lys) variant identified in the SHANK2 gene substitutes a very well conserved Glutamic Acid for Lysine at amino acid 282/1850 (exon 8/26). This variant is found with low frequency in gnomAD(v3.0) (2 heterozygotes, 0 homozygotes; allele frequency: 1.32e-5) suggesting it is not a common benign variant in the populations represented in that database. In silico algorithms do not agree on the effect of this variant, as it is predicted both Damaging (SIFT; score:0.006) and Benign (REVEL; score:0.432) to the function of the canonical transcript. This variant is absent from ClinVar and to our current knowledge has not been reported in affected individuals in the literature. The p.Glu282 residue is within the PDZ domain of SHANK2, which is important for protein-protein interactions (UniProtKB:Q9UPX8). Given the lack of compelling evidence for its pathogenicity, the inherited c.844G>A (p.Glu282Lys) variant identified in the SHANK2 gene is reported as a Variant of Uncertain Significance.